The following is an entry in ClinVar:

ClinVar aggregate classification (germline): Likely benign (1 of 4 stars; one submission).

Conditions:
Colorectal cancer, susceptibility to, 1. Also called: COLORECTAL ADENOMA AND CANCER, SUSCEPTIBILITY TO; COLORECTAL CANCER, SUSCEPTIBILITY TO, ON CHROMOSOME 9. Identifiers: MedGen C1837315, MONDO:0012132, OMIM 608812.

Submission:

Myriad Genetics, Inc.
Classification: Likely benign for Colorectal cancer, susceptibility to, 1. Last evaluated: 2026-04-21. Review status: criteria provided, single submitter. Criteria: Myriad Autosomal Dominant, Autosomal Recessive and X-Linked Classification Criteria (2023). Collection method: clinical testing. Allele origin: unknown.
Comment: This variant is considered likely benign. This variant is intronic and is not expected to impact mRNA splicing.

NM_024642.5(GALNT12):c.371+7G>A

Gene: GALNT12 (polypeptide N-acetylgalactosaminyltransferase 12; plus strand). Cytogenetic location: 9q22.33.
Variant type: single nucleotide variant.
Coding change: c.371+7G>A on transcript NM_024642.5 (MANE Select); 7 bases into the intron after coding-DNA position 371, G replaced by A.
Molecular consequence: intron variant.
Genome position (GRCh38, 1-based): chr9:98,808,076, G>A. VCF-style: chr9-98808076-G-A. GRCh37 (hg19) VCF-style: chr9-101570358-G-A.
Identifiers: ClinVar variation 4875677 (VCV004875677.1).